The following is an entry in ClinVar:

NM_001378969.1(KCND3):c.319C>A (p.Arg107Ser)

Gene: KCND3 (potassium voltage-gated channel subfamily D member 3; minus strand). Cytogenetic location: 1p13.2.
Variant type: single nucleotide variant.
Coding change: c.319C>A on transcript NM_001378969.1 (MANE Select); coding-DNA position 319, C replaced by A.
Protein change: p.Arg107Ser; replaces arginine 107 with serine.
Molecular consequence: missense variant.
Genome position (GRCh38, 1-based): chr1:111,982,408, G>T on the plus strand (C>A on the coding strand, the complement: KCND3 is on the minus strand). VCF-style: chr1-111982408-G-T. GRCh37 (hg19) VCF-style: chr1-112525030-G-T.
Other names: c.319C>A, p.Arg107Ser (NM_172198.3, NM_001378970.1, NM_004980.5); short protein forms R107S.
Identifiers: ClinVar variation 4090216 (VCV004090216.1).

ClinVar aggregate classification (germline): Uncertain significance (1 of 4 stars; one submission).

Conditions:
Cardiovascular phenotype. Identifiers: MedGen CN230736.

Submission:

Ambry Genetics
Classification: Uncertain significance for Cardiovascular phenotype. Last evaluated: 2025-08-28. Review status: criteria provided, single submitter. Criteria: Ambry Variant Classification Scheme 2023. Collection method: clinical testing. Allele origin: germline.
Comment: The p.R107S variant (also known as c.319C>A), located in coding exon 1 of the KCND3 gene, results from a C to A substitution at nucleotide position 319. The arginine at codon 107 is replaced by serine, an amino acid with dissimilar properties. This amino acid position is conserved. In addition, this alteration is predicted to be deleterious by in silico analysis. Based on the available evidence, the clinical significance of this variant remains unclear.